The following is an entry in ClinVar:

ClinVar aggregate classification (germline): Uncertain significance (1 of 4 stars; one submission).

Conditions:
Factor H deficiency (CFHD). Also called: COMPLEMENT FACTOR H DEFICIENCY; CFH DEFICIENCY. Identifiers: Orphanet 200421, MedGen C0398777, MONDO:0012350, OMIM 609814.

Submission:

Victorian Clinical Genetics Services, Murdoch Childrens Research Institute
Classification: Uncertain significance for Factor H deficiency. Last evaluated: 2020-06-11. Review status: criteria provided, single submitter. Criteria: ACMG Guidelines, 2015. Collection method: clinical testing. Allele origin: germline. Affected: yes.
Comment: Based on the classification scheme VCGS_Germline_v1.1.1, this variant is classified as 3B-VUS. Following criteria are met: 0102 - Loss-of-function is a known mechanism of disease for this gene. (N) 0108 - This gene is known to be associated with both recessive and dominant disease. It is associated with autosomal recessive and dominant complement factor H deficiency and is a risk factor for atypical haemolytic uraemic syndrome (aHUS). There is no clear distinction between missense variants that act in a dominant versus recessive manner, although aHUS is typically autosomal dominant (PMID: 24799305, 30930551). (N) 0200 - Variant is predicted to result in a missense amino acid change from a serine to a leucine (exon 22). (N) 0251 - Variant is heterozygous. (N) 0301 - Variant is absent from gnomAD. (P) 0309 - An alternative amino acid change at the same position has been observed in gnomAD (1 heterozygote, 0 homozygotes). (N) 0503 - Missense variant consistently predicted to be tolerated or not conserved in mammals with a minor amino acid change. (B) 0603 - Missense variant in a region that is highly intolerant to missense variation (high constraint region). It is also located in the SCR repeat 20 domain (PDB). (P) 0705 - No comparable variants have previous evidence for pathogenicity. (N) 0807 - Variant has not previously been reported in a clinical context. (N) 0905 - No segregation evidence has been identified for this variant. (N) 1007 - No published functional evidence has been identified for this variant. (N) 1102 - Strong phenotype match. (P) 1208 - Inheritance information for this variant is not currently available. (N) Legend: (P) - Pathogenic, (N) - Neutral, (B) - Benign

Literature cited by the submitters: PubMed 24799305; PubMed 30930551.

NM_000186.4(CFH):c.3587C>T (p.Ser1196Leu)

Gene: CFH (complement factor H; plus strand). Cytogenetic location: 1q31.3.
Variant type: single nucleotide variant.
Coding change: c.3587C>T on transcript NM_000186.4 (MANE Select); coding-DNA position 3587, C replaced by T.
Protein change: p.Ser1196Leu; replaces serine 1196 with leucine.
Molecular consequence: missense variant.
Genome position (GRCh38, 1-based): chr1:196,747,204, C>T. VCF-style: chr1-196747204-C-T. GRCh37 (hg19) VCF-style: chr1-196716334-C-T.
Other names: short protein forms S1196L.
Identifiers: ClinVar variation 3376565 (VCV003376565.1).